The following is an entry in ClinVar:

ClinVar aggregate classification (germline): Pathogenic (1 of 4 stars; one submission).

Conditions:
Ataxia-telangiectasia syndrome (AT). Also called: Ataxia-telangiectasia, complementation group D; AT, COMPLEMENTATION GROUP C; ATAXIA-TELANGIECTASIA, COMPLEMENTATION GROUP A; ATAXIA-TELANGIECTASIA, FRESNO VARIANT; Ataxia-telangiectasia; Ataxia telangiectasia (A-T). Identifiers: Orphanet 100, MedGen C0004135, MONDO:0008840, OMIM 208900.

Submission:

Labcorp Genetics (formerly Invitae), Labcorp
Classification: Pathogenic for Ataxia-telangiectasia syndrome. Last evaluated: 2019-08-13. Review status: criteria provided, single submitter. Criteria: Invitae Variant Classification Sherloc (09022015). Collection method: clinical testing. Allele origin: germline.
Comment: Loss-of-function variants in ATM are known to be pathogenic (PMID: 23807571, 25614872). This variant has not been reported in the literature in individuals with ATM-related conditions. This variant is not present in population databases (ExAC no frequency). This sequence change creates a premature translational stop signal (p.Asp2569Valfs*4) in the ATM gene. It is expected to result in an absent or disrupted protein product. For these reasons, this variant has been classified as Pathogenic.

Literature cited by the submitters: PubMed 23807571; PubMed 25614872.

NM_000051.4(ATM):c.7706del (p.Asp2569fs)

Genes: ATM (ATM serine/threonine kinase; plus strand), C11orf65 (chromosome 11 open reading frame 65; minus strand). Cytogenetic location: 11q22.3.
Variant type: Deletion.
Coding change: c.7706del on transcript NM_000051.4 (MANE Select); coding-DNA position 7706, one base deleted (A; older notation c.7706delA).
Protein change: p.Asp2569fs; shifts the reading frame from aspartic acid 2569.
Molecular consequence: frameshift variant. On other transcripts: intron variant (2).
Genome position (GRCh38, 1-based): chr11:108,331,955, A deleted. VCF-style (leftmost placement, unchanged base first): chr11-108331954-GA-G. GRCh37 (hg19) VCF-style: chr11-108202681-GA-G.
Other names: c.*38+3265del (NM_001351110.2); c.7706delA, p.Asp2569Valfs (NM_000051.3); c.7706del, p.Asp2569fs (NM_001351834.2); c.641-22884del (NM_001330368.2); short protein forms D2569fs.
Identifiers: ClinVar variation 950984 (VCV000950984.8), dbSNP rs2086299809, ClinGen allele CA1139662181.
Genomic context (GRCh38, chr11:108,331,954, plus strand): 5'-TCAATGGATCACCCCCATCACACTTTGTTTATTATACTGGCCTTAGCAAATGCAAACAGA[GA>G]TGAATTTCTGACTAAACCAGAGGTAGCCAGAAGAAGCAGAATAACTAAAAATGTGCCTAA-3'